The following is an entry in ClinVar:

NM_172107.4(KCNQ2):c.721_724del (p.Leu241fs)

Gene: KCNQ2 (potassium voltage-gated channel subfamily Q member 2; minus strand). Cytogenetic location: 20q13.33.
Variant type: Deletion.
Coding change: c.721_724del on transcript NM_172107.4 (MANE Select); coding-DNA positions 721 to 724, 4 bases deleted (CTTT; older notation c.721_724delCTTT).
Protein change: p.Leu241fs; shifts the reading frame from leucine 241.
Molecular consequence: frameshift variant.
Genome position (GRCh38, 1-based): chr20:63,442,498-63,442,501, AAAG deleted on the plus strand (CTTT on the coding strand, the reverse complement: KCNQ2 is on the minus strand). VCF-style (leftmost placement, unchanged base first): chr20-63442497-CAAAG-C. GRCh37 (hg19) VCF-style: chr20-62073850-CAAAG-C.
Other names: c.721_724del, p.Leu241fs (NM_001382235.1, NM_004518.6, NM_172106.3 and 2 more transcripts); short protein forms L241fs.
Identifiers: ClinVar variation 939067 (VCV000939067.8), dbSNP rs2081191595, ClinGen allele CA1139666800.

ClinVar aggregate classification (germline): Pathogenic (1 of 4 stars; one submission).

Conditions:
Early-infantile DEE. Also called: Early infantile epileptic encephalopathy; Ohtahara syndrome; Early infantile epileptic encephalopathy with suppression bursts. Identifiers: Orphanet 1934, MedGen C0393706, MONDO:0800491.

Allele frequency attached by ClinVar (database versions not stated): gnomAD exomes below 0.00001.

Submission:

Labcorp Genetics (formerly Invitae), Labcorp
Classification: Pathogenic for Early-infantile DEE. Last evaluated: 2019-08-23. Review status: criteria provided, single submitter. Criteria: Invitae Variant Classification Sherloc (09022015). Collection method: clinical testing. Allele origin: germline.
Comment: For these reasons, this variant has been classified as Pathogenic. Loss-of-function variants in KCNQ2 are known to be pathogenic (PMID: 14534157, 23692823, 27779742). This variant has not been reported in the literature in individuals with KCNQ2-related conditions. This variant is not present in population databases (ExAC no frequency). This sequence change creates a premature translational stop signal (p.Leu241Valfs*31) in the KCNQ2 gene. It is expected to result in an absent or disrupted protein product.

Literature cited by the submitters: PubMed 14534157; PubMed 23692823; PubMed 27779742.